The following is an entry in ClinVar:

NM_022081.6(HPS4):c.554G>A (p.Arg185His)

Gene: HPS4 (HPS4 biogenesis of lysosomal organelles complex 3 subunit 2; minus strand). Cytogenetic location: 22q12.1.
Variant type: single nucleotide variant.
Coding change: c.554G>A on transcript NM_022081.6 (MANE Select); coding-DNA position 554, G replaced by A.
Protein change: p.Arg185His; replaces arginine 185 with histidine.
Molecular consequence: missense variant. On other transcripts: non-coding transcript variant (8).
Genome position (GRCh38, 1-based): chr22:26,470,761, C>T on the plus strand (G>A on the coding strand, the complement: HPS4 is on the minus strand). VCF-style: chr22-26470761-C-T. GRCh37 (hg19) VCF-style: chr22-26866727-C-T.
Other names: NR_146316.2:n.1142G>A; c.554G>A, p.Arg185His (NM_001349896.1, NM_001349898.2, NM_001349899.2 and 7 more transcripts); c.539G>A, p.Arg180His (NM_152841.2); short protein forms R185H, R180H.
Identifiers: ClinVar variation 2412667 (VCV002412667.3), dbSNP rs111522254, ClinGen allele CA10163649.

ClinVar aggregate classification (germline): Uncertain significance. Review status: criteria provided, multiple submitters, no conflicts (2 of 4 stars). 3 submissions from 3 submitters: Uncertain significance (3). Last evaluated 2024-06-03.

Conditions:
HPS4-related disorder. Also called: HPS4-related condition.
Hermansky-Pudlak syndrome 4 (HPS4). Identifiers: Orphanet 231500, Orphanet 79430, MedGen C3484357, MONDO:0013556, OMIM 614073.

Allele frequency attached by ClinVar (database versions not stated): TOPMed 0.00002; gnomAD 0.00003; ExAC 0.00012; 1000 Genomes Project 30x 0.00016; 1000 Genomes Project 0.00020.
gnomAD v4.1: 57 of 1,614,152 alleles (0.0035%); highest among the groups gnomAD compares: South Asian, 0.038%; no homozygotes.

Submissions (3):

Women's Health and Genetics/Laboratory Corporation of America, LabCorp
Classification: Uncertain significance. Last evaluated: 2024-06-03. Review status: criteria provided, single submitter. Criteria: LabCorp Variant Classification Summary - May 2015. Collection method: clinical testing. Allele origin: germline.
Comment: Variant summary: HPS4 c.554G>A (p.Arg185His) results in a non-conservative amino acid change in the encoded protein sequence. Five of five in-silico tools predict a damaging effect of the variant on protein function. The variant allele was found at a frequency of 3.5e-05 in 1614152 control chromosomes, predominantly at a frequency of 0.00038 within the South Asian subpopulation in the gnomAD database. This frequency is not significantly higher than estimated for a pathogenic variant in HPS4 causing Hermansky-Pudlak Syndrome (3.5e-05 vs 0.00052), allowing no conclusion about variant significance. c.554G>A has been reported in the literature in at least 1 individual affected with Hermansky-Pudlak Syndrome (example, Arcot Sadagopan_2017). This report does not provide unequivocal conclusions about association of the variant with Hermansky-Pudlak Syndrome. To our knowledge, no experimental evidence demonstrating an impact on protein function has been reported. The following publication has been ascertained in the context of this evaluation (PMID: 27176668). ClinVar contains an entry for this variant (Variation ID: 2412667). Based on the evidence outlined above, the variant was classified as uncertain significance.

PreventionGenetics, part of Exact Sciences
Classification: Uncertain significance for HPS4-related condition. Last evaluated: 2023-03-14. Review status: criteria provided, single submitter. Criteria: ACMG Guidelines, 2015. Collection method: clinical testing. Allele origin: germline.
Comment: The HPS4 c.554G>A variant is predicted to result in the amino acid substitution p.Arg185His. This variant was reported in heterozygous state in an individual with oculocutaneous albinism, where second variant was not detected (Arcot Sadagopan et al. 2017. PubMed ID: 27176668; Huizing et al. 2020. PubMed ID: 31898847). This variant is reported in 0.078% of alleles in individuals of South Asian descent in gnomAD. At this time, the clinical significance of this variant is uncertain due to the absence of conclusive functional and genetic evidence.

Broad Center for Mendelian Genomics, Broad Institute of MIT and Harvard
Classification: Uncertain significance for Hermansky-Pudlak syndrome 4. Last evaluated: 2023-01-24. Review status: criteria provided, single submitter. Criteria: ACMG Guidelines, 2015. Collection method: curation. Allele origin: germline. Inheritance: Autosomal recessive inheritance.
Comment: The p.Arg185His variant in HPS4 has been reported in 1 individual with Hermansky-Pudlak syndrome 4 (PMID: 31898847, 27176668) and has been identified in 0.08% (24/30616) of South Asian chromosomes by the Genome Aggregation Database (gnomAD; dbSNP ID: rs111522254). Although this variant has been seen in the general population in a heterozygous state, its frequency is not high enough to rule out a pathogenic role. Computational prediction tools and conservation analyses do not provide strong support for or against an impact to the protein. In summary, the clinical significance of the p.Arg185His variant is uncertain. ACMG/AMP Criteria applied: none (Richards 2015).

Literature cited by the submitters: PubMed 27176668 (cited by Women's Health and Genetics/Laboratory Corporation of America, LabCorp).